The following is an entry in ClinVar:

NM_000390.4(CHM):c.969T>A (p.Tyr323Ter)

Gene: CHM (CHM Rab escort protein; minus strand). Cytogenetic location: Xq21.2.
Variant type: single nucleotide variant.
Coding change: c.969T>A on transcript NM_000390.4 (MANE Select); coding-DNA position 969, T replaced by A.
Protein change: p.Tyr323Ter; replaces tyrosine 323 with a stop codon.
Molecular consequence: nonsense.
Genome position (GRCh38, 1-based): chrX:85,956,350, A>T on the plus strand (T>A on the coding strand, the complement: CHM is on the minus strand). VCF-style: chrX-85956350-A-T. GRCh37 (hg19) VCF-style: chrX-85211355-A-T.
Other names: c.525T>A, p.Tyr175Ter (NM_001320959.1, NM_001362517.1, NM_001362518.2 and 1 more transcripts); c.969T>A (LRG_699t1); short protein forms Y323*, Y175*.
Identifiers: ClinVar variation 279776 (VCV000279776.2), dbSNP rs886041180, ClinGen allele CA10603740.

ClinVar aggregate classification (germline): Pathogenic (1 of 4 stars; one submission).

Submission:

GeneDx
Classification: Pathogenic. Last evaluated: 2015-08-12. Review status: criteria provided, single submitter. Criteria: GeneDx Variant Classification (06012015). Collection method: clinical testing. Allele origin: germline. Affected: yes.
Comment: The Y323X nonsense variant in the CHM gene is predicted to cause loss of normal protein function either through protein truncation or nonsense-mediated mRNA decay. The Y323X mutation was not observed in approximately 6,500 individuals of European and African American ancestry in the NHLBI Exome Sequencing Project, indicating it is not a common benign variant in these populations. Although this variant has not beenreported previously to our knowledge, we consider it to be pathogenic.